The following is an entry in ClinVar:

NM_006231.4(POLE):c.675T>C (p.Asp225=)

Gene: POLE (DNA polymerase epsilon, catalytic subunit; minus strand). Cytogenetic location: 12q24.33.
Variant type: single nucleotide variant.
Coding change: c.675T>C on transcript NM_006231.4 (MANE Select); coding-DNA position 675, T replaced by C.
Protein change: p.Asp225=; no amino-acid change (aspartic acid 225 retained).
Molecular consequence: synonymous variant.
Genome position (GRCh38, 1-based): chr12:132,677,623, A>G on the plus strand (T>C on the coding strand, the complement: POLE is on the minus strand). VCF-style: chr12-132677623-A-G. GRCh37 (hg19) VCF-style: chr12-133254209-A-G.
Identifiers: ClinVar variation 486961 (VCV000486961.16), dbSNP rs1446922286, ClinGen allele CA482849871.

ClinVar aggregate classification (germline): Likely benign. Review status: criteria provided, multiple submitters, no conflicts (2 of 4 stars). 3 submissions from 3 submitters: Likely benign (2). 1 of the submissions does not count toward it. Last evaluated 2025-08-27.

Conditions:
Hereditary cancer-predisposing syndrome. Also called: Tumor predisposition; Hereditary Cancer Syndrome; Hereditary neoplastic syndrome; Neoplastic Syndromes, Hereditary. Identifiers: Orphanet 140162, MedGen C0027672, MeSH D009386, MONDO:0015356.
POLE-related disorder. Also called: POLE-related disorders; POLE-related condition.

Allele frequency attached by ClinVar (database versions not stated): gnomAD exomes below 0.00001.
gnomAD v4.1: 1 of 1,614,198 alleles (0.000062%); highest among the groups gnomAD compares: Non-Finnish European, 0.000085%; no homozygotes.

Submissions (3):

Labcorp Genetics (formerly Invitae), Labcorp
Classification: Likely benign. Last evaluated: 2025-08-27. Review status: criteria provided, single submitter. Criteria: Invitae Variant Classification Sherloc (09022015). Collection method: clinical testing. Allele origin: germline.

Ambry Genetics
Classification: Likely benign for Hereditary cancer-predisposing syndrome. Last evaluated: 2016-05-26. Review status: criteria provided, single submitter. Criteria: Ambry Variant Classification Scheme 2023. Collection method: clinical testing. Allele origin: germline.

PreventionGenetics, part of Exact Sciences
Classification: Likely benign for POLE-related condition. Last evaluated: 2023-08-18. Review status: no assertion criteria provided. Collection method: clinical testing. Allele origin: germline. Not counted in ClinVar's aggregate classification.
Comment: This variant is classified as likely benign based on ACMG/AMP sequence variant interpretation guidelines (Richards et al. 2015 PMID: 25741868, with internal and published modifications).